The following is an entry in ClinVar:

NM_001048174.2(MUTYH):c.458_459delinsTC (p.Ser153Phe)

Gene: MUTYH (mutY DNA glycosylase; minus strand). Cytogenetic location: 1p34.1.
Variant type: Indel.
Coding change: c.458_459delinsTC on transcript NM_001048174.2 (MANE Select); coding-DNA positions 458 to 459, CT replaced by TC.
Protein change: p.Ser153Phe; replaces serine 153 with phenylalanine.
Molecular consequence: missense variant. On other transcripts: non-coding transcript variant (2).
Genome position (GRCh38, 1-based): chr1:45,332,796-45,332,797, AG replaced by GA on the plus strand (CT replaced by TC on the coding strand, the reverse complement: MUTYH is on the minus strand). VCF-style: chr1-45332796-AG-GA. GRCh37 (hg19) VCF-style: chr1-45798468-AG-GA.
Other names: c.542_543delCTinsTC (NM_001128425.1); c.458_459delinsTC, p.Ser153Phe (NM_001048171.2, NM_001048173.2, NM_001293195.2); c.461_462delinsTC, p.Ser154Phe (NM_001048172.2); c.542_543delinsTC, p.Ser181Phe (NM_001128425.2); c.503_504delinsTC, p.Ser168Phe (NM_001293190.2); c.491_492delinsTC, p.Ser164Phe (NM_001293191.2); c.182_183delinsTC, p.Ser61Phe (NM_001293192.2, NM_001293196.2); c.113_114delinsTC, p.Ser38Phe (NM_001350650.2, NM_001350651.2); and 1 more; short protein forms S154F, S164F, S168F, S153F, S178F, S181F, S38F, S61F.
Identifiers: ClinVar variation 664805 (VCV000664805.8), dbSNP rs1570422674, ClinGen allele CA915941276.
Genomic context (GRCh38, chr1:45,332,796, plus strand): 5'-GTTCCTACCCTCCTGCCATCCCCTTACCTTCCGAGCTCCCTCCTGCAGCCGCCGGCCACG[AG>GA]AATAGTAGCCCAGGCCAGCCCAGAGTTGATTCACCTCCTGTGGGTAGGATCAGAGGTCAA-3'
Protein context (NP_001041639.1, residues 143-163): NQLWAGLGYY[Ser153Phe]RGRRLQEGAR

ClinVar aggregate classification (germline): Uncertain significance (1 of 4 stars; one submission).

Conditions:
Familial adenomatous polyposis 2. Also called: COLORECTAL ADENOMATOUS POLYPOSIS, AUTOSOMAL RECESSIVE; ADENOMAS, MULTIPLE COLORECTAL, AUTOSOMAL RECESSIVE; MYH-associated polyposis; MUTYH Polyposis; Adenomas, multiple colorectal; MUTYH-associated polyposis. Identifiers: Orphanet 220460, Orphanet 247798, MedGen C3272841, MONDO:0012041, OMIM 608456.

Submission:

Labcorp Genetics (formerly Invitae), Labcorp
Classification: Uncertain significance for Familial adenomatous polyposis 2. Last evaluated: 2022-09-06. Review status: criteria provided, single submitter. Criteria: Invitae Variant Classification Sherloc (09022015). Collection method: clinical testing. Allele origin: germline.
Comment: In summary, the available evidence is currently insufficient to determine the role of this variant in disease. Therefore, it has been classified as a Variant of Uncertain Significance. Algorithms developed to predict the effect of missense changes on protein structure and function are either unavailable or do not agree on the potential impact of this missense change (SIFT: "Not Available"; PolyPhen-2: "Probably Damaging"; Align-GVGD: "Not Available"). ClinVar contains an entry for this variant (Variation ID: 664805). This variant has not been reported in the literature in individuals affected with MUTYH-related conditions. Information on the frequency of this variant in the gnomAD database is not available, as this variant may be reported differently in the database. This sequence change replaces serine, which is neutral and polar, with phenylalanine, which is neutral and non-polar, at codon 181 of the MUTYH protein (p.Ser181Phe).